The following is an entry in ClinVar:

ClinVar aggregate classification (germline): Benign. Review status: criteria provided, multiple submitters, no conflicts (2 of 4 stars). 3 submissions from 3 submitters: Benign (3). Last evaluated 2026-04-01.

Allele frequency attached by ClinVar (database versions not stated): 1000 Genomes Project 0.00419; 1000 Genomes Project 30x 0.00422; ExAC 0.00787; gnomAD 0.00787 and 0.00801; gnomAD exomes 0.00790 and 0.01021; ESP Exome Variant Server 0.00838; TOPMed 0.00910.
gnomAD v4.1: 16,090 of 1,612,166 alleles (1%); highest among the groups gnomAD compares: Middle Eastern, 1.8%; 101 homozygotes.

Submissions (3):

CeGaT Center for Human Genetics Tuebingen
Classification: Benign. Last evaluated: 2026-04-01. Review status: criteria provided, single submitter. Criteria: CeGaT Center For Human Genetics Tuebingen Variant Classification Criteria Version 2. Collection method: clinical testing. Allele origin: germline. Affected: yes. Observed: 6 variant alleles.
Comment: LRP1: BP4, BP7, BS1, BS2

Labcorp Genetics (formerly Invitae), Labcorp
Classification: Benign. Last evaluated: 2019-12-31. Review status: criteria provided, single submitter. Criteria: Invitae Variant Classification Sherloc (09022015). Collection method: clinical testing. Allele origin: germline.

Breakthrough Genomics
Classification: Benign. Review status: criteria provided, single submitter. Criteria: ACMG Guidelines, 2015. Collection method: not provided. Allele origin: germline. Inheritance: Autosomal recessive inheritance. Affected: yes.

NM_002332.3(LRP1):c.6570C>T (p.Asp2190=)

Gene: LRP1 (LDL receptor related protein 1; plus strand). Cytogenetic location: 12q13.3.
Variant type: single nucleotide variant.
Coding change: c.6570C>T on transcript NM_002332.3 (MANE Select); coding-DNA position 6570, C replaced by T.
Protein change: p.Asp2190=; no amino-acid change (aspartic acid 2190 retained).
Molecular consequence: synonymous variant.
Genome position (GRCh38, 1-based): chr12:57,185,637, C>T. VCF-style: chr12-57185637-C-T. GRCh37 (hg19) VCF-style: chr12-57579420-C-T.
Identifiers: ClinVar variation 785817 (VCV000785817.29), dbSNP rs1800138, ClinGen allele CA6643854.